The following is an entry in ClinVar:

ClinVar aggregate classification (germline): Likely benign. Review status: criteria provided, multiple submitters, no conflicts (2 of 4 stars). 2 submissions from 2 submitters: Likely benign (2). Last evaluated 2026-07-08.

Conditions:
Rhabdoid tumor predisposition syndrome 2 (RTPS2). Identifiers: Orphanet 231108, Orphanet 69077, MedGen C2750074, MONDO:0013224, OMIM 613325.

Allele frequency attached by ClinVar (database versions not stated): gnomAD exomes 0.00001; ExAC 0.00003.
gnomAD v4.1: 11 of 1,581,536 alleles (0.0007%); highest among the groups gnomAD compares: Non-Finnish European, 0.00086%; no homozygotes.

Submissions (2):

Myriad Genetics, Inc.
Classification: Likely benign for Rhabdoid tumor predisposition syndrome 2. Last evaluated: 2026-07-08. Review status: criteria provided, single submitter. Criteria: Myriad Autosomal Dominant, Autosomal Recessive and X-Linked Classification Criteria (2023). Collection method: clinical testing. Allele origin: unknown.
Comment: This variant is considered likely benign. This variant is intronic and is not expected to impact mRNA splicing.

Labcorp Genetics (formerly Invitae), Labcorp
Classification: Likely benign for Rhabdoid tumor predisposition syndrome 2. Last evaluated: 2025-10-10. Review status: criteria provided, single submitter. Criteria: Invitae Variant Classification Sherloc (09022015). Collection method: clinical testing. Allele origin: germline.

NM_003072.5(SMARCA4):c.4769-18C>T

Gene: SMARCA4 (SWI/SNF related BAF chromatin remodeling complex subunit ATPase 4; plus strand). Cytogenetic location: 19p13.2.
Variant type: single nucleotide variant.
Coding change: c.4769-18C>T on transcript NM_003072.5 (MANE Select); 18 bases into the intron before coding-DNA position 4769, C replaced by T.
Molecular consequence: intron variant.
Genome position (GRCh38, 1-based): chr19:11,060,027, C>T. VCF-style: chr19-11060027-C-T. GRCh37 (hg19) VCF-style: chr19-11170703-C-T.
Other names: c.4769-18C>T (NM_001128844.3); c.4865-18C>T (NM_001128849.3, NM_001387283.1); c.4670-18C>T (NM_001128847.4, NM_001374457.1); c.4679-18C>T (NM_001128845.2); c.4676-18C>T (NM_001128846.2); c.4667-18C>T (NM_001128848.2).
Identifiers: ClinVar variation 1460056 (VCV001460056.9), dbSNP rs772067768, ClinGen allele CA9204878.